The following is an entry in ClinVar:

NM_001399.5(EDA):c.1133C>T (p.Thr378Met)

Gene: EDA (ectodysplasin A; plus strand). Cytogenetic location: Xq13.1.
Variant type: single nucleotide variant.
Coding change: c.1133C>T on transcript NM_001399.5 (MANE Select); coding-DNA position 1133, C replaced by T.
Protein change: p.Thr378Met; replaces threonine 378 with methionine.
Molecular consequence: missense variant.
Genome position (GRCh38, 1-based): chrX:70,035,566, C>T. VCF-style: chrX-70035566-C-T. GRCh37 (hg19) VCF-style: chrX-69255416-C-T.
Other names: c.1127C>T, p.Thr376Met (NM_001005609.2); c.1118C>T, p.Thr373Met (NM_001005612.3); short protein forms T378M, T373M, T376M.
Identifiers: ClinVar variation 583138 (VCV000583138.7), dbSNP rs1569407346, ClinGen allele CA413450428.

ClinVar aggregate classification (germline): Pathogenic. Review status: criteria provided, multiple submitters, no conflicts (2 of 4 stars). 2 submissions from 2 submitters: Pathogenic (2). Last evaluated 2025-01-13.

Conditions:
EDA-related disorder. Also called: EDA-related condition; EDA-related disorders.
Hypohidrotic X-linked ectodermal dysplasia (XHED). Also called: Ectodermal Dysplasia 1, Anhidrotic; Anhidrotic ectodermal dysplasia X-linked; Christ Siemens Touraine syndrome; ECTODERMAL DYSPLASIA 1, HYPOHIDROTIC, X-LINKED; ECTODERMAL DYSPLASIA 1, HYPOHIDROTIC/HAIR/TOOTH TYPE, X-LINKED; Christ-Siemans-Touraine syndrome. Identifiers: Orphanet 181, Orphanet 238468, MedGen C0162359, MONDO:0010585, OMIM 305100.

Submissions (2):

Labcorp Genetics (formerly Invitae), Labcorp
Classification: Pathogenic for Hypohidrotic X-linked ectodermal dysplasia. Last evaluated: 2025-01-13. Review status: criteria provided, single submitter. Criteria: Invitae Variant Classification Sherloc (09022015). Collection method: clinical testing. Allele origin: germline.
Comment: This sequence change replaces threonine, which is neutral and polar, with methionine, which is neutral and non-polar, at codon 378 of the EDA protein (p.Thr378Met). This variant is not present in population databases (gnomAD no frequency). This missense change has been observed in individuals with X-linked hypohidrotic ectodermal dysplasia (PMID: 11378824, 18384562, 18666859, 21457804, 23991204, 24648697, 26273176). It has also been observed to segregate with disease in related individuals. ClinVar contains an entry for this variant (Variation ID: 583138). Invitae Evidence Modeling of protein sequence and biophysical properties (such as structural, functional, and spatial information, amino acid conservation, physicochemical variation, residue mobility, and thermodynamic stability) has been performed for this missense variant. However, the output from this modeling did not meet the statistical confidence thresholds required to predict the impact of this variant on EDA protein function. Experimental studies have shown that this missense change affects EDA function (PMID: 11279189). For these reasons, this variant has been classified as Pathogenic.

Blueprint Genetics
Classification: Pathogenic for EDA-related disorders. Last evaluated: 2022-01-20. Review status: criteria provided, single submitter. Criteria: ACMG Guidelines, 2015. Collection method: clinical testing. Allele origin: germline. Affected: yes. Observed: 4 variant alleles.

Literature cited by the submitters: PubMed 11378824 (cited by Labcorp Genetics (formerly Invitae), Labcorp); PubMed 18384562 (cited by Labcorp Genetics (formerly Invitae), Labcorp); PubMed 18666859 (cited by Labcorp Genetics (formerly Invitae), Labcorp); PubMed 21457804 (cited by Labcorp Genetics (formerly Invitae), Labcorp); PubMed 23991204 (cited by Labcorp Genetics (formerly Invitae), Labcorp); PubMed 24648697 (cited by Labcorp Genetics (formerly Invitae), Labcorp); PubMed 26273176 (cited by Labcorp Genetics (formerly Invitae), Labcorp); PubMed 11279189 (cited by Labcorp Genetics (formerly Invitae), Labcorp).